The following is an entry in ClinVar:

NM_001282933.2(ZNF341):c.196C>T (p.Pro66Ser)

Gene: ZNF341 (zinc finger protein 341; plus strand). Cytogenetic location: 20q11.22.
Variant type: single nucleotide variant.
Coding change: c.196C>T on transcript NM_001282933.2 (MANE Select); coding-DNA position 196, C replaced by T.
Protein change: p.Pro66Ser; replaces proline 66 with serine.
Molecular consequence: missense variant. On other transcripts: non-coding transcript variant (1), intron variant (1).
Genome position (GRCh38, 1-based): chr20:33,745,156, C>T. VCF-style: chr20-33745156-C-T. GRCh37 (hg19) VCF-style: chr20-32332962-C-T.
Other names: c.196C>T, p.Pro66Ser (NM_032819.5); c.70-3767C>T (NM_001282935.2); short protein forms P66S.
Identifiers: ClinVar variation 1345435 (VCV001345435.5), dbSNP rs1200996535, ClinGen allele CA408644895.

ClinVar aggregate classification (germline): Uncertain significance (1 of 4 stars; one submission).

Allele frequency attached by ClinVar (database versions not stated): gnomAD exomes below 0.00001; gnomAD 0.00001; TOPMed 0.00001.
gnomAD v4.1: 4 of 1,613,950 alleles (0.00025%); highest among the groups gnomAD compares: Non-Finnish European, 0.00034%; no homozygotes.

Submission:

Labcorp Genetics (formerly Invitae), Labcorp
Classification: Uncertain significance. Last evaluated: 2021-08-30. Review status: criteria provided, single submitter. Criteria: Invitae Variant Classification Sherloc (09022015). Collection method: clinical testing. Allele origin: germline.
Comment: This sequence change replaces proline with serine at codon 66 of the ZNF341 protein (p.Pro66Ser). The proline residue is highly conserved and there is a moderate physicochemical difference between proline and serine. This variant is not present in population databases (ExAC no frequency). This variant has not been reported in the literature in individuals affected with ZNF341-related conditions. Algorithms developed to predict the effect of missense changes on protein structure and function output the following: SIFT: "Deleterious"; PolyPhen-2: "Benign"; Align-GVGD: "Class C65". The serine amino acid residue is found in multiple mammalian species, which suggests that this missense change does not adversely affect protein function. In summary, the available evidence is currently insufficient to determine the role of this variant in disease. Therefore, it has been classified as a Variant of Uncertain Significance.